The following is an entry in ClinVar:

ClinVar aggregate classification (germline): Uncertain significance. Review status: criteria provided, multiple submitters, no conflicts (2 of 4 stars). 2 submissions from 2 submitters: Uncertain significance (2). Last evaluated 2024-05-29.

Conditions:
FGFR2-related craniosynostosis. Identifiers: MedGen CN231480.

Allele frequency attached by ClinVar (database versions not stated): gnomAD exomes below 0.00001; gnomAD 0.00004; TOPMed 0.00004.
gnomAD v4.1: 8 of 1,613,918 alleles (0.0005%); highest among the groups gnomAD compares: African/African-American, 0.011%; no homozygotes.

Submissions (2):

GeneDx
Classification: Uncertain significance. Last evaluated: 2024-05-29. Review status: criteria provided, single submitter. Criteria: GeneDx Variant Classification Process June 2021. Collection method: clinical testing. Allele origin: germline. Affected: yes.
Comment: In silico analysis indicates that this missense variant does not alter protein structure/function; Has not been previously published as pathogenic or benign to our knowledge

Labcorp Genetics (formerly Invitae), Labcorp
Classification: Uncertain significance for FGFR2-related craniosynostosis. Last evaluated: 2022-07-13. Review status: criteria provided, single submitter. Criteria: Invitae Variant Classification Sherloc (09022015). Collection method: clinical testing. Allele origin: germline.
Comment: This sequence change replaces glycine, which is neutral and non-polar, with serine, which is neutral and polar, at codon 139 of the FGFR2 protein (p.Gly139Ser). This variant is present in population databases (no rsID available, gnomAD 0.008%). This variant has not been reported in the literature in individuals affected with FGFR2-related conditions. Algorithms developed to predict the effect of missense changes on protein structure and function output the following: SIFT: "Tolerated"; PolyPhen-2: "Benign"; Align-GVGD: "Class C0". The serine amino acid residue is found in multiple mammalian species, which suggests that this missense change does not adversely affect protein function. In summary, the available evidence is currently insufficient to determine the role of this variant in disease. Therefore, it has been classified as a Variant of Uncertain Significance.

NM_000141.5(FGFR2):c.415G>A (p.Gly139Ser)

Gene: FGFR2 (fibroblast growth factor receptor 2; minus strand). Cytogenetic location: 10q26.13.
Variant type: single nucleotide variant.
Coding change: c.415G>A on transcript NM_000141.5 (MANE Select); coding-DNA position 415, G replaced by A.
Protein change: p.Gly139Ser; replaces glycine 139 with serine.
Molecular consequence: missense variant. On other transcripts: intron variant (2).
Genome position (GRCh38, 1-based): chr10:121,564,541, C>T on the plus strand (G>A on the coding strand, the complement: FGFR2 is on the minus strand). VCF-style: chr10-121564541-C-T. GRCh37 (hg19) VCF-style: chr10-123324055-C-T.
Other names: c.415G>A, p.Gly139Ser (NM_001144913.1, NM_001144914.1, NM_001144917.2 and 2 more transcripts); c.148G>A, p.Gly50Ser (NM_001144915.2, NM_001144919.2, NM_023029.3); c.110-13082G>A (NM_001144918.2, NM_001144916.2); short protein forms G139S, G50S.
Identifiers: ClinVar variation 2203088 (VCV002203088.5), dbSNP rs927047637, ClinGen allele CA214299340.